The following is an entry in ClinVar:

NM_006267.5(RANBP2):c.1283G>A (p.Arg428Gln)

Gene: RANBP2 (RAN binding protein 2; plus strand). Cytogenetic location: 2q13.
Variant type: single nucleotide variant.
Coding change: c.1283G>A on transcript NM_006267.5 (MANE Select); coding-DNA position 1283, G replaced by A.
Protein change: p.Arg428Gln; replaces arginine 428 with glutamine.
Molecular consequence: missense variant.
Genome position (GRCh38, 1-based): chr2:108,751,273, G>A. VCF-style: chr2-108751273-G-A. GRCh37 (hg19) VCF-style: chr2-109367729-G-A.
Other names: short protein forms R428Q.
Identifiers: ClinVar variation 657959 (VCV000657959.11), dbSNP rs1359594543, ClinGen allele CA348048254.

ClinVar aggregate classification (germline): Uncertain significance. Review status: criteria provided, multiple submitters, no conflicts (2 of 4 stars). 2 submissions from 2 submitters: Uncertain significance (2). Last evaluated 2025-04-24.

Conditions:
Familial acute necrotizing encephalopathy (IIAE3). Also called: Susceptibility to Acute Necrotizing Encephalopathy 1; ENCEPHALOPATHY, ACUTE, INFECTION-INDUCED, SUSCEPTIBILITY TO, 3. Identifiers: Orphanet 88619, MedGen C2675556, MONDO:0011953, OMIM 608033.

Allele frequency attached by ClinVar (database versions not stated): TOPMed below 0.00001; gnomAD 0.00001.

Submissions (3):

Ambry Genetics
Classification: Uncertain significance. Last evaluated: 2025-04-24. Review status: criteria provided, single submitter. Criteria: Ambry Variant Classification Scheme 2023. Collection method: clinical testing. Allele origin: germline.

Labcorp Genetics (formerly Invitae), Labcorp
Classification: Uncertain significance for Familial acute necrotizing encephalopathy. Last evaluated: 2019-08-22. Review status: criteria provided, single submitter. Criteria: Invitae Variant Classification Sherloc (09022015). Collection method: clinical testing. Allele origin: germline.
Comment: In summary, the available evidence is currently insufficient to determine the role of this variant in disease. Therefore, it has been classified as a Variant of Uncertain Significance. Algorithms developed to predict the effect of missense changes on protein structure and function are either unavailable or do not agree on the potential impact of this missense change (SIFT: "Deleterious"; PolyPhen-2: "Benign"; Align-GVGD: "Class C35"). This variant has not been reported in the literature in individuals with RANBP2-related conditions. This variant is not present in population databases (ExAC no frequency). This sequence change replaces arginine with glutamine at codon 428 of the RANBP2 protein (p.Arg428Gln). The arginine residue is highly conserved and there is a small physicochemical difference between arginine and glutamine.

Dr. Peter K. Rogan Lab, Western University
No classification provided (evidence only). Condition: Colon adenocarcinoma. Review status: no classification provided. Collection method: in vitro. Allele origin: not applicable. Functional consequence: retained intron. Not counted in ClinVar's aggregate classification.